The following is an entry in ClinVar:

ClinVar aggregate classification (germline): Uncertain significance. Review status: criteria provided, multiple submitters, no conflicts (2 of 4 stars). 6 submissions from 6 submitters: Uncertain significance (6). Last evaluated 2025-03-12.

Conditions:
Hereditary cancer-predisposing syndrome. Also called: Hereditary neoplastic syndrome; Neoplastic Syndromes, Hereditary; Tumor predisposition; Hereditary Cancer Syndrome. Identifiers: Orphanet 140162, MedGen C0027672, MeSH D009386, MONDO:0015356.
Fanconi anemia complementation group J. Also called: BRIP1-Related Fanconi Anemia. Identifiers: Orphanet 84, MedGen C1836860, MONDO:0012187, OMIM 609054.
Familial cancer of breast. Also called: BREAST CANCER, FAMILIAL; Hereditary breast cancer; hereditary breast carcinoma. Identifiers: Orphanet 227535, MedGen C0346153, MONDO:0016419, OMIM 114480. Disease mechanism: loss of function.

Allele frequency attached by ClinVar (database versions not stated): gnomAD exomes 0.00001 and 0.00002; ExAC 0.00003.

Submissions (6):

GeneDx
Classification: Uncertain significance. Last evaluated: 2025-03-12. Review status: criteria provided, single submitter. Criteria: GeneDx Variant Classification Process June 2021. Collection method: clinical testing. Allele origin: germline. Affected: yes.
Comment: Not observed at significant frequency in large population cohorts (gnomAD); In silico analysis indicates that this missense variant does not alter protein structure/function; Observed in an individual with breast cancer (PMID: 37791908); This variant is associated with the following publications: (PMID: 37791908)

Ambry Genetics
Classification: Uncertain significance for Hereditary cancer-predisposing syndrome. Last evaluated: 2025-02-17. Review status: criteria provided, single submitter. Criteria: Ambry Variant Classification Scheme 2023. Collection method: clinical testing. Allele origin: germline.
Comment: The p.T238I variant (also known as c.713C>T), located in coding exon 6 of the BRIP1 gene, results from a C to T substitution at nucleotide position 713. The threonine at codon 238 is replaced by isoleucine, an amino acid with similar properties. This amino acid position is poorly conserved in available vertebrate species. In addition, this alteration is predicted to be tolerated by in silico analysis. Since supporting evidence is limited at this time, the clinical significance of this alteration remains unclear.

Labcorp Genetics (formerly Invitae), Labcorp
Classification: Uncertain significance for Familial cancer of breast; Fanconi anemia complementation group J. Last evaluated: 2024-10-30. Review status: criteria provided, single submitter. Criteria: Invitae Variant Classification Sherloc (09022015). Collection method: clinical testing. Allele origin: germline.
Comment: This sequence change replaces threonine, which is neutral and polar, with isoleucine, which is neutral and non-polar, at codon 238 of the BRIP1 protein (p.Thr238Ile). This variant is present in population databases (rs745955726, gnomAD 0.02%). This variant has not been reported in the literature in individuals affected with BRIP1-related conditions. ClinVar contains an entry for this variant (Variation ID: 481649). Invitae Evidence Modeling of protein sequence and biophysical properties (such as structural, functional, and spatial information, amino acid conservation, physicochemical variation, residue mobility, and thermodynamic stability) indicates that this missense variant is not expected to disrupt BRIP1 protein function with a negative predictive value of 95%. In summary, the available evidence is currently insufficient to determine the role of this variant in disease. Therefore, it has been classified as a Variant of Uncertain Significance.

Women's Health and Genetics/Laboratory Corporation of America, LabCorp
Classification: Uncertain significance. Last evaluated: 2024-10-17. Review status: criteria provided, single submitter. Criteria: LabCorp Variant Classification Summary - May 2015. Collection method: clinical testing. Allele origin: germline.
Comment: Variant summary: BRIP1 c.713C>T (p.Thr238Ile) results in a non-conservative amino acid change located in the Helicase-like, DEXD box c2 type (IPR006554) of the encoded protein sequence. Four of five in-silico tools predict a benign effect of the variant on protein function. The variant allele was found at a frequency of 2e-05 in 251170 control chromosomes. The available data on variant occurrences in the general population are insufficient to allow any conclusion about variant significance. c.713C>T has been reported in the literature in individuals affected with Breast Cancer. These report(s) do not provide unequivocal conclusions about association of the variant with Breast Cancer (Zhunussova_2023). To our knowledge, no experimental evidence demonstrating an impact on protein function has been reported. The following publication have been ascertained in the context of this evaluation (PMID: 37791908). ClinVar contains an entry for this variant (Variation ID: 481649). Based on the evidence outlined above, the variant was classified as uncertain significance.

KCCC/NGS Laboratory, Kuwait Cancer Control Center
Classification: Uncertain significance for Familial cancer of breast. Last evaluated: 2023-05-31. Review status: criteria provided, single submitter. Criteria: ACMG Guidelines, 2015. Collection method: clinical testing. Allele origin: unknown. Inheritance: Autosomal dominant inheritance. Affected: yes. Observed: 1 heterozygote.
Comment: a variant of uncertain significance in the BRIP1 gene. This sequence change replaces threonine, which is neutral and polar, with isoleucine, which is neutral and non-polar, at codon 238 of the BRIP1 protein (p.Thr238Ile). This variant is present in population databases (rs745955726, gnomAD 0.02%). This variant has not been reported in the literature in individuals affected with BRIP1-related conditions. ClinVar contains an entry for this variant (Variation ID: 481649). Algorithms developed to predict the effect of missense changes on protein structure and function (SIFT, PolyPhen-2, Align-GVGD) all suggest that this variant is likely to be tolerated. In summary, the available evidence is currently insufficient to determine the role of this variant in disease. Therefore, it has been classified as a Variant of Uncertain Significance. Pathogenic/likely pathogenic variants in the BRIP1 gene cause susceptibility to breast cancer (OMIM 114480).

Color Diagnostics, LLC DBA Color Health
Classification: Uncertain significance for Hereditary cancer-predisposing syndrome. Last evaluated: 2021-01-05. Review status: criteria provided, single submitter. Criteria: ACMG Guidelines, 2015. Collection method: clinical testing. Allele origin: germline.
Comment: This missense variant replaces threonine with isoleucine at codon 238 of the BRIP1 protein. Computational prediction suggests that this variant may not impact protein structure and function (internally defined REVEL score threshold <= 0.5, PMID: 27666373). To our knowledge, functional studies have not been reported for this variant. This variant has not been reported in individuals affected with hereditary cancer in the literature. This variant has been identified in 5/251170 chromosomes in the general population by the Genome Aggregation Database (gnomAD). The available evidence is insufficient to determine the role of this variant in disease conclusively. Therefore, this variant is classified as a Variant of Uncertain Significance.

Literature cited by the submitters: PubMed 37791908 (cited by Women's Health and Genetics/Laboratory Corporation of America, LabCorp).

NM_032043.3(BRIP1):c.713C>T (p.Thr238Ile)

Gene: BRIP1 (BRCA1 interacting DNA helicase 1; minus strand). Cytogenetic location: 17q23.2.
Variant type: single nucleotide variant.
Coding change: c.713C>T on transcript NM_032043.3 (MANE Select); coding-DNA position 713, C replaced by T.
Protein change: p.Thr238Ile; replaces threonine 238 with isoleucine.
Molecular consequence: missense variant.
Genome position (GRCh38, 1-based): chr17:61,808,672, G>A on the plus strand (C>T on the coding strand, the complement: BRIP1 is on the minus strand). VCF-style: chr17-61808672-G-A. GRCh37 (hg19) VCF-style: chr17-59886033-G-A.
Other names: short protein forms T238I.
Identifiers: ClinVar variation 481649 (VCV000481649.22), dbSNP rs745955726, ClinGen allele CA8690854.
Genomic context (GRCh38, chr17:61,808,672, plus strand): 5'-TGAGCAATCTGCTTGTGTGTGCGTGTCCCAAAATATATTTTGGGTATCTTGGATTTCCCT[G>A]TATGATCCTTCTTAATGGTATTCGATGACTCTTGACTGTTTCCTTGTTTAGTAGAACAAC-3'
Protein context (NP_114432.2, residues 228-248): ESSNTIKKDH[Thr238Ile]GKSKIPKIYF